The following is an entry in ClinVar:

NM_213653.4(HJV):c.959G>T (p.Gly320Val)

Gene: HJV (hemojuvelin BMP co-receptor; minus strand). Cytogenetic location: 1q21.1.
Variant type: single nucleotide variant.
Coding change: c.959G>T on transcript NM_213653.4 (MANE Select); coding-DNA position 959, G replaced by T.
Protein change: p.Gly320Val; replaces glycine 320 with valine.
Molecular consequence: missense variant.
Genome position (GRCh38, 1-based): chr1:146,018,399, C>A on the plus strand (G>T on the coding strand, the complement: HJV is on the minus strand). VCF-style: chr1-146018399-C-A. GRCh37 (hg19) VCF-style: chr1-145416614-G-T.
Other names: c.281G>T, p.Gly94Val (NM_001316767.2, NM_202004.4, NM_213652.4); c.959G>T, p.Gly320Val (NM_001379352.1); c.620G>T, p.Gly207Val (NM_145277.5); short protein forms G320V, G207V, G94V.
Identifiers: ClinVar variation 2365 (VCV000002365.74), dbSNP rs74315323, ClinGen allele CA252249.

ClinVar aggregate classification (germline): Pathogenic. Review status: criteria provided, multiple submitters, no conflicts (2 of 4 stars). 17 submissions from 16 submitters: Pathogenic (15). 2 of the submissions do not count toward it. Last evaluated 2026-02-23.

Conditions:
HJV-related disorder. Also called: HJV-related condition.
HFE2 & HJV-related disorders.
Juvenile hemochromatosis. Also called: Hemochromatosis type 2. Identifiers: Orphanet 79230, MedGen C0268060, MONDO:0019257.
Hemochromatosis type 2A (HFE2A). Also called: Adult-Onset Hemochromatosis; HJV (HFE2)-Related Juvenile Hemochromatosis. Identifiers: Orphanet 79230, MedGen C1865614, MONDO:0011216, OMIM 602390.
Hemochromatosis type 1 (HFE1). Also called: HFE-Related Hemochromatosis; HFE-Associated Hereditary Hemochromatosis. Identifiers: Orphanet 465508, MedGen C3469186, MONDO:0021001, OMIM 235200. Disease mechanism: loss of function.

Allele frequency attached by ClinVar (database versions not stated): ExAC 0.00017; gnomAD exomes 0.00017; gnomAD 0.00026 and 0.00027; TOPMed 0.00028.
gnomAD v4.1: 681 of 1,614,004 alleles (0.042%); highest among the groups gnomAD compares: Non-Finnish European, 0.056%; 1 homozygote.

Submissions 1 to 13 of 17:

Synevo Romania
Classification: Pathogenic for Hemochromatosis type 2A. Last evaluated: 2026-02-23. Review status: criteria provided, single submitter. Criteria: ACMG Guidelines, 2015. Collection method: clinical testing. Allele origin: unknown. Inheritance: Autosomal recessive inheritance. Observed: 1 variant allele, 1 heterozygote.

Labcorp Genetics (formerly Invitae), Labcorp
Classification: Pathogenic. Last evaluated: 2026-01-24. Review status: criteria provided, single submitter. Criteria: Invitae Variant Classification Sherloc (09022015). Collection method: clinical testing. Allele origin: germline.
Comment: This sequence change replaces glycine, which is neutral and non-polar, with valine, which is neutral and non-polar, at codon 320 of the HJV protein (p.Gly320Val). This variant is present in population databases (rs74315323, gnomAD 0.04%). This missense change has been observed in individual(s) with juvenile hemochromatosis (PMID: 14647275, 14982873, 15811010, 22408404). It has also been observed to segregate with disease in related individuals. ClinVar contains an entry for this variant (Variation ID: 2365). Invitae Evidence Modeling of protein sequence and biophysical properties (such as structural, functional, and spatial information, amino acid conservation, physicochemical variation, residue mobility, and thermodynamic stability) indicates that this missense variant is expected to disrupt HJV protein function with a positive predictive value of 80%. Experimental studies have shown that this missense change affects HJV function (PMID: 16103117, 18827264). For these reasons, this variant has been classified as Pathogenic.

PreventionGenetics, part of Exact Sciences
Classification: Pathogenic for HJV-related condition. Last evaluated: 2025-11-18. Review status: criteria provided, single submitter. Criteria: ACMG Guidelines, 2015. Collection method: clinical testing. Allele origin: germline.
Comment: The HJV c.959G>T variant is predicted to result in the amino acid substitution p.Gly320Val. This variant has been reported in multiple unrelated patients in the homozygous or compound heterozygous state with hemochromatosis (see for example, Papanikolaou et al. 2004. PubMed ID: 14647275; Militaru et al. 2010. PubMed ID: 20593054; Várkonyi et al. 2010. PubMed ID: 20234129; Aguilar-Martinez et al. 2007. PubMed ID: 17339196). In addition, in vitro experimental studies suggest this variant impacts protein function (Zhang et al 2005. PubMed ID: 16103117; Silvestri et al 2007. PubMed ID: 17264300). This variant is reported in 0.039% of alleles in individuals of European (non-Finnish) descent in gnomAD. This variant is interpreted as pathogenic.

Natera, Inc.
Classification: Pathogenic for Hemochromatosis type 2A. Last evaluated: 2025-10-10. Review status: criteria provided, single submitter. Criteria: Natera Variant Classification Schema (03/2026). Collection method: clinical testing. Allele origin: germline.
Comment: The c.959G>T variant in HJV is a missense variant predicted to cause substitution of glycine to valine at amino acid 320. This variant is rare in the general population with a frequency below the threshold expected for the associated phenotype(s). This variant has been observed in one or more individuals affected with the associated recessive disease, as either homozygous or compound heterozygous with a second variant (PMID: 15967692, 15710580). Given the available evidence, this variant is classified as Pathogenic.

First Genomix Gene Laboratory, Genetic Diagnostics Department
Classification: Pathogenic for Hemochromatosis type 2A. Last evaluated: 2025-09-16. Review status: criteria provided, single submitter. Criteria: ACMG Guidelines, 2015. Collection method: clinical testing. Allele origin: germline. Inheritance: Autosomal recessive inheritance. Affected: no. Observed: 1 variant allele.

Blueprint Genetics
Classification: Pathogenic for HFE2 & HJV-related disorders. Last evaluated: 2024-11-25. Review status: criteria provided, single submitter. Criteria: ACMG Guidelines, 2015. Collection method: clinical testing. Allele origin: germline. Affected: yes. Observed: 5 variant alleles.

Women's Health and Genetics/Laboratory Corporation of America, LabCorp
Classification: Pathogenic for Hemochromatosis type 2A. Last evaluated: 2024-07-31. Review status: criteria provided, single submitter. Criteria: LabCorp Variant Classification Summary - May 2015. Collection method: clinical testing. Allele origin: germline.
Comment: Variant summary: HJV c.959G>T (p.Gly320Val) results in a non-conservative amino acid change located in the Repulsive guidance molecule, C-terminal domain (IPR009496) of the encoded protein sequence. Four of four in-silico tools predict a damaging effect of the variant on protein function. The variant allele was found at a frequency of 0.00042 in 1614004 control chromosomes in the gnomAD database, including 1 homozygotes. This frequency is not significantly higher than estimated for a pathogenic variant in HJV causing Hemochromatosis Type 2A (0.00042 vs 0.0011), allowing no conclusion about variant significance. c.959G>T has been reported in the literature in multiple individuals affected with Hemochromatosis (example: Papanikolaou_2004). These data indicate that the variant is very likely to be associated with disease. The following publication has been ascertained in the context of this evaluation (PMID: 14647275). ClinVar contains an entry for this variant (Variation ID: 2365). Based on the evidence outlined above, the variant was classified as pathogenic.

Fulgent Genetics
Classification: Pathogenic for Hemochromatosis type 2A. Last evaluated: 2024-05-12. Review status: criteria provided, single submitter. Criteria: ACMG Guidelines, 2015. Collection method: clinical testing. Allele origin: germline.

Clinical Genetics Laboratory, Skane University Hospital Lund
Classification: Pathogenic. Last evaluated: 2024-02-01. Review status: criteria provided, single submitter. Criteria: ACMG Guidelines, 2015. Collection method: clinical testing. Allele origin: germline. Affected: yes.

Department of Pathology and Laboratory Medicine, Sinai Health System
Classification: Pathogenic for Hemochromatosis type 2A. Last evaluated: 2022-12-19. Review status: criteria provided, single submitter. Criteria: ACMG Guidelines, 2015. Collection method: research. Allele origin: germline.

GeneDx
Classification: Pathogenic. Last evaluated: 2022-05-11. Review status: criteria provided, single submitter. Criteria: GeneDx Variant Classification Process June 2021. Collection method: clinical testing. Allele origin: germline. Affected: yes.
Comment: Published functional studies demonstrate a damaging effect (Pagani et al., 2008; Silvestri et al., 2007; Zhang et al., 2005); In silico analysis supports that this missense variant has a deleterious effect on protein structure/function; This variant is associated with the following publications: (PMID: 15967692, 27753142, 14982867, 20234129, 15811010, 20593054, 32189932, 23651750, 17339196, 19796184, 31640930, 30389309, 15254010, 30362946, 29373985, 22408404, 15610558, 14982873, 12891378, 17264300, 16103117, 18827264, 26142323, 14647275)

CeGaT Center for Human Genetics Tuebingen
Classification: Pathogenic. Last evaluated: 2022-02-01. Review status: criteria provided, single submitter. Criteria: CeGaT Center For Human Genetics Tuebingen Variant Classification Criteria Version 2. Collection method: clinical testing. Allele origin: germline. Affected: yes. Observed: 1 variant allele.

Revvity Omics, Revvity
Classification: Pathogenic for Hemochromatosis type 2A. Last evaluated: 2021-10-15. Review status: criteria provided, single submitter. Criteria: ACMG Guidelines, 2015. Collection method: clinical testing. Allele origin: germline.